The following is an entry in ClinVar:

ClinVar aggregate classification (germline): Uncertain significance (1 of 4 stars; one submission).

gnomAD v4.1: 8 of 1,487,528 alleles (0.00054%); highest among the groups gnomAD compares: Non-Finnish European, 0.00063%; no homozygotes.

Submission:

Labcorp Genetics (formerly Invitae), Labcorp
Classification: Uncertain significance. Last evaluated: 2024-02-23. Review status: criteria provided, single submitter. Criteria: Invitae Variant Classification Sherloc (09022015). Collection method: clinical testing. Allele origin: germline.
Comment: This sequence change replaces serine, which is neutral and polar, with threonine, which is neutral and polar, at codon 380 of the ARHGEF1 protein (p.Ser380Thr). The frequency data for this variant in the population databases is considered unreliable, as metrics indicate poor data quality at this position in the gnomAD database. This variant has not been reported in the literature in individuals affected with ARHGEF1-related conditions. An algorithm developed to predict the effect of missense changes on protein structure and function (PolyPhen-2) suggests that this variant is likely to be tolerated. In summary, the available evidence is currently insufficient to determine the role of this variant in disease. Therefore, it has been classified as a Variant of Uncertain Significance.

NM_004706.4(ARHGEF1):c.1094G>C (p.Ser365Thr)

Gene: ARHGEF1 (Rho guanine nucleotide exchange factor 1; plus strand). Cytogenetic location: 19q13.2.
Variant type: single nucleotide variant.
Coding change: c.1094G>C on transcript NM_004706.4 (MANE Select); coding-DNA position 1094, G replaced by C.
Protein change: p.Ser365Thr; replaces serine 365 with threonine.
Molecular consequence: missense variant. On other transcripts: non-coding transcript variant (2).
Genome position (GRCh38, 1-based): chr19:41,896,455, G>C. VCF-style: chr19-41896455-G-C. GRCh37 (hg19) VCF-style: chr19-42400528-G-C.
Other names: c.1094G>C, p.Ser365Thr (NM_001396000.1, NM_001396003.1, NM_001396006.1); c.995G>C, p.Ser332Thr (NM_001396002.1, NM_001396004.1, NM_198977.2); c.1139G>C, p.Ser380Thr (NM_199002.2); short protein forms S332T, S365T, S380T.
Identifiers: ClinVar variation 3675901 (VCV003675901.2).